The following is an entry in ClinVar:

NM_173039.3(AQP11):c.435G>T (p.Gln145His)

Gene: AQP11 (aquaporin 11; plus strand). Cytogenetic location: 11q14.1.
Variant type: single nucleotide variant.
Coding change: c.435G>T on transcript NM_173039.3 (MANE Select); coding-DNA position 435, G replaced by T.
Protein change: p.Gln145His; replaces glutamine 145 with histidine.
Molecular consequence: missense variant.
Genome position (GRCh38, 1-based): chr11:77,590,427, G>T. VCF-style: chr11-77590427-G-T. GRCh37 (hg19) VCF-style: chr11-77301472-G-T.
Other names: c.435G>T, p.Gln145His (NM_001363477.2); short protein forms Q145H.
Identifiers: ClinVar variation 2642191 (VCV002642191.24), dbSNP rs117458417, ClinGen allele CA6200319.
Genomic context (GRCh38, chr11:77,590,427, plus strand): 5'-GGTTAGTGCCCTGTGCAGCAGGTACTGCACAAGCGCCTTGTGGAGCTTGGGTCTGACCCA[G>T]TATCACGTCAGCGAGAGGAGCTTCGCTTGCAAGAATCCCATCCGAGTCGACTTGCTCAAA-3'
Protein context (NP_766627.1, residues 135-155): TSALWSLGLT[Gln145His]YHVSERSFAC

ClinVar aggregate classification (germline): Likely benign (1 of 4 stars; one submission).

Allele frequency attached by ClinVar (database versions not stated): 1000 Genomes Project 0.00240; 1000 Genomes Project 30x 0.00250; ExAC 0.00368; ESP Exome Variant Server 0.00416; gnomAD 0.00432; TOPMed 0.00461.
gnomAD v4.1: 9,299 of 1,614,088 alleles (0.58%); highest among the groups gnomAD compares: Middle Eastern, 0.82%; 40 homozygotes.

Submission:

CeGaT Center for Human Genetics Tuebingen
Classification: Likely benign. Last evaluated: 2023-01-01. Review status: criteria provided, single submitter. Criteria: CeGaT Center For Human Genetics Tuebingen Variant Classification Criteria Version 2. Collection method: clinical testing. Allele origin: germline. Affected: yes. Observed: 1 variant allele.
Comment: AQP11: BP4, BS2